The following is an entry in ClinVar:

NM_145239.3(PRRT2):c.696C>G (p.His232Gln)

Genes: MVP-DT (MVP divergent transcript; minus strand), PRRT2 (proline rich transmembrane protein 2; plus strand). Cytogenetic location: 16p11.2.
Variant type: single nucleotide variant.
Coding change: c.696C>G on transcript NM_145239.3 (MANE Select); coding-DNA position 696, C replaced by G.
Protein change: p.His232Gln; replaces histidine 232 with glutamine.
Molecular consequence: missense variant.
Genome position (GRCh38, 1-based): chr16:29,813,750, C>G. VCF-style: chr16-29813750-C-G. GRCh37 (hg19) VCF-style: chr16-29825071-C-G.
Other names: c.696C>G, p.His232Gln (NM_001256442.2, NM_001256443.2); short protein forms H232Q.
Identifiers: ClinVar variation 2046903 (VCV002046903.28), dbSNP rs570108715, ClinGen allele CA395479312.

ClinVar aggregate classification (germline): Uncertain significance. Review status: criteria provided, multiple submitters, no conflicts (2 of 4 stars). 2 submissions from 2 submitters: Uncertain significance (2). Last evaluated 2023-03-01.

Conditions:
Episodic kinesigenic dyskinesia (EKD). Also called: Paroxysmal kinesigenic dyskinesia. Identifiers: Orphanet 98809, MedGen C1868682, MONDO:0044202.

gnomAD v4.1: 6 of 1,589,268 alleles (0.00038%); highest among the groups gnomAD compares: Non-Finnish European, 0.00043%; no homozygotes.

Submissions (2):

CeGaT Center for Human Genetics Tuebingen
Classification: Uncertain significance. Last evaluated: 2023-03-01. Review status: criteria provided, single submitter. Criteria: CeGaT Center For Human Genetics Tuebingen Variant Classification Criteria Version 2. Collection method: clinical testing. Allele origin: germline. Affected: yes. Observed: 1 variant allele.
Comment: PRRT2: PM2, BP4

Labcorp Genetics (formerly Invitae), Labcorp
Classification: Uncertain significance for Episodic kinesigenic dyskinesia. Last evaluated: 2022-04-29. Review status: criteria provided, single submitter. Criteria: Invitae Variant Classification Sherloc (09022015). Collection method: clinical testing. Allele origin: germline.
Comment: This sequence change replaces histidine, which is basic and polar, with glutamine, which is neutral and polar, at codon 232 of the PRRT2 protein (p.His232Gln). This variant is present in population databases (no rsID available, gnomAD 0.002%). This variant has not been reported in the literature in individuals affected with PRRT2-related conditions. In summary, the available evidence is currently insufficient to determine the role of this variant in disease. Therefore, it has been classified as a Variant of Uncertain Significance. Algorithms developed to predict the effect of missense changes on protein structure and function are either unavailable or do not agree on the potential impact of this missense change (SIFT: "Deleterious"; PolyPhen-2: "Possibly Damaging"; Align-GVGD: "Class C0").